The following is an entry in ClinVar:

ClinVar aggregate classification (germline): Likely benign (1 of 4 stars; one submission).

Submission:

CeGaT Center for Human Genetics Tuebingen
Classification: Likely benign. Last evaluated: 2025-02-01. Review status: criteria provided, single submitter. Criteria: CeGaT Center For Human Genetics Tuebingen Variant Classification Criteria Version 2. Collection method: clinical testing. Allele origin: germline. Affected: yes. Observed: 1 variant allele.
Comment: INTS1: BP4, BS1

NM_001080453.3(INTS1):c.5255C>T (p.Thr1752Ile)

Gene: INTS1 (integrator complex subunit 1; minus strand). Cytogenetic location: 7p22.3.
Variant type: single nucleotide variant.
Coding change: c.5255C>T on transcript NM_001080453.3 (MANE Select); coding-DNA position 5255, C replaced by T.
Protein change: p.Thr1752Ile; replaces threonine 1752 with isoleucine.
Molecular consequence: missense variant.
Genome position (GRCh38, 1-based): chr7:1,476,352, G>A on the plus strand (C>T on the coding strand, the complement: INTS1 is on the minus strand). VCF-style: chr7-1476352-G-A. GRCh37 (hg19) VCF-style: chr7-1515988-G-A.
Other names: short protein forms T1752I.
Identifiers: ClinVar variation 3770919 (VCV003770919.13).